The following is an entry in ClinVar:

ClinVar aggregate classification (germline): Uncertain significance. Review status: criteria provided, multiple submitters, no conflicts (2 of 4 stars). 3 submissions from 3 submitters: Uncertain significance (3). Last evaluated 2026-09-16.

Conditions:
SLC17A8-related disorder. Also called: SLC17A8-related condition.
Inborn genetic diseases. Identifiers: MedGen C0950123, MeSH D030342.

Allele frequency attached by ClinVar (database versions not stated): ExAC 0.00002; TOPMed 0.00002; gnomAD 0.00003; gnomAD exomes 0.00003 and 0.00005.

Submissions (3):

PreventionGenetics, part of Exact Sciences
Classification: Uncertain significance for SLC17A8-related condition. Last evaluated: 2026-09-16. Review status: criteria provided, single submitter. Criteria: ACMG Guidelines, 2015. Collection method: clinical testing. Allele origin: germline.
Comment: The SLC17A8 c.1264C>T variant is predicted to result in the amino acid substitution p.Leu422Phe. To our knowledge, this variant has not been reported in the literature. This variant is reported in 0.0065% of alleles in individuals of South Asian descent in gnomAD. At this time, the clinical significance of this variant is uncertain due to the absence of conclusive functional and genetic evidence.

Labcorp Genetics (formerly Invitae), Labcorp
Classification: Uncertain significance. Last evaluated: 2025-06-15. Review status: criteria provided, single submitter. Criteria: Invitae Variant Classification Sherloc (09022015). Collection method: clinical testing. Allele origin: germline.
Comment: This sequence change replaces leucine, which is neutral and non-polar, with phenylalanine, which is neutral and non-polar, at codon 422 of the SLC17A8 protein (p.Leu422Phe). This variant is present in population databases (rs773405011, gnomAD 0.006%). This variant has not been reported in the literature in individuals affected with SLC17A8-related conditions. ClinVar contains an entry for this variant (Variation ID: 1374724). Invitae Evidence Modeling of protein sequence and biophysical properties (such as structural, functional, and spatial information, amino acid conservation, physicochemical variation, residue mobility, and thermodynamic stability) indicates that this missense variant is not expected to disrupt SLC17A8 protein function with a negative predictive value of 80%. In summary, the available evidence is currently insufficient to determine the role of this variant in disease. Therefore, it has been classified as a Variant of Uncertain Significance.

Ambry Genetics
Classification: Uncertain significance for Inborn genetic diseases. Last evaluated: 2024-09-26. Review status: criteria provided, single submitter. Criteria: Ambry Variant Classification Scheme 2023. Collection method: clinical testing. Allele origin: germline.

NM_139319.3(SLC17A8):c.1264C>T (p.Leu422Phe)

Gene: SLC17A8 (solute carrier family 17 member 8; plus strand). Cytogenetic location: 12q23.1.
Variant type: single nucleotide variant.
Coding change: c.1264C>T on transcript NM_139319.3 (MANE Select); coding-DNA position 1264, C replaced by T.
Protein change: p.Leu422Phe; replaces leucine 422 with phenylalanine.
Molecular consequence: missense variant.
Genome position (GRCh38, 1-based): chr12:100,412,847, C>T. VCF-style: chr12-100412847-C-T. GRCh37 (hg19) VCF-style: chr12-100806625-C-T.
Other names: c.1264C>T (NM_139319.2); c.1114C>T, p.Leu372Phe (NM_001145288.2); short protein forms L372F, L422F.
Identifiers: ClinVar variation 1374724 (VCV001374724.8), dbSNP rs773405011, ClinGen allele CA6738981.